The following is an entry in ClinVar:

NM_022455.5(NSD1):c.4431T>C (p.Ala1477=)

Gene: NSD1 (nuclear receptor binding SET domain protein 1; plus strand). Cytogenetic location: 5q35.3.
Variant type: single nucleotide variant.
Coding change: c.4431T>C on transcript NM_022455.5 (MANE Select); coding-DNA position 4431, T replaced by C.
Protein change: p.Ala1477=; no amino-acid change (alanine 1477 retained).
Molecular consequence: synonymous variant.
Genome position (GRCh38, 1-based): chr5:177,246,730, T>C. VCF-style: chr5-177246730-T-C. GRCh37 (hg19) VCF-style: chr5-176673731-T-C.
Other names: c.3558T>C, p.Ala1186= (NM_001365684.2, NM_001409306.1, NM_001409307.1 and 3 more transcripts); c.4431T>C, p.Ala1477= (NM_001409301.1, NM_001409302.1, NM_001409303.1); c.4011T>C, p.Ala1337= (NM_001409304.1); c.3678T>C, p.Ala1226= (NM_001409305.1).
Identifiers: ClinVar variation 2692570 (VCV002692570.1), dbSNP rs756168497, ClinGen allele CA447725459.

ClinVar aggregate classification (germline): Uncertain significance (1 of 4 stars; one submission).

Allele frequency attached by ClinVar (database versions not stated): TOPMed below 0.00001.

Submission:

Greenwood Genetic Center Diagnostic Laboratories, Greenwood Genetic Center
Classification: Uncertain significance. Last evaluated: 2023-10-25. Review status: criteria provided, single submitter. Criteria: ACMG Guidelines, 2015. Collection method: clinical testing. Allele origin: germline. Affected: yes.
Comment: PM2